The following is an entry in ClinVar:

NM_003482.4(KMT2D):c.15729C>T (p.Ile5243=)

Gene: KMT2D (lysine methyltransferase 2D; minus strand). Cytogenetic location: 12q13.12.
Variant type: single nucleotide variant.
Coding change: c.15729C>T on transcript NM_003482.4 (MANE Select); coding-DNA position 15729, C replaced by T.
Protein change: p.Ile5243=; no amino-acid change (isoleucine 5243 retained).
Molecular consequence: synonymous variant.
Genome position (GRCh38, 1-based): chr12:49,026,237, G>A on the plus strand (C>T on the coding strand, the complement: KMT2D is on the minus strand). VCF-style: chr12-49026237-G-A. GRCh37 (hg19) VCF-style: chr12-49420020-G-A.
Identifiers: ClinVar variation 2791383 (VCV002791383.4), dbSNP rs765991935, ClinGen allele CA6545507.
Genomic context (GRCh38, chr12:49,026,237, plus strand): 5'-CTCACCCTGGGGAGAGGCGTCAGTGAAGACCAGGTCCTCCAGGCCCTGCTCGATGACTTT[G>A]ATTACAAACTCCGGCCGCCCGTTGTTCTCACCAATAGAACAGCGATAGCAGCAGCGACGA-3'
Protein context (NP_003473.3, residues 5233-5253): GENNGRPEFV[Ile5243=]KVIEQGLEDL

ClinVar aggregate classification (germline): Benign/Likely benign. Review status: criteria provided, multiple submitters, no conflicts (2 of 4 stars). 2 submissions from 2 submitters: Benign (1); Likely benign (1). Last evaluated 2026-09-14.

Conditions:
KMT2D-related disorder. Also called: KMT2D-Related Disorders.
Kabuki syndrome. Also called: NIIKAWA-KUROKI SYNDROME; Kabuki make-up syndrome. Identifiers: Orphanet 2322, MedGen C0796004, MONDO:0016512.

Allele frequency attached by ClinVar (database versions not stated): gnomAD exomes below 0.00001; ExAC 0.00002.

Submissions (2):

PreventionGenetics, part of Exact Sciences
Classification: Likely benign for KMT2D-related condition. Last evaluated: 2026-09-14. Review status: criteria provided, single submitter. Criteria: ACMG Guidelines, 2015. Collection method: clinical testing. Allele origin: germline.
Comment: This variant is classified as likely benign based on ACMG/AMP sequence variant interpretation guidelines (Richards et al. 2015 PMID: 25741868, with internal and published modifications).

Labcorp Genetics (formerly Invitae), Labcorp
Classification: Benign for Kabuki syndrome. Last evaluated: 2024-11-24. Review status: criteria provided, single submitter. Criteria: Invitae Variant Classification Sherloc (09022015). Collection method: clinical testing. Allele origin: germline.